The following is an entry in ClinVar:

ClinVar aggregate classification (germline): Conflicting classifications of pathogenicity. Review status: criteria provided, conflicting classifications (1 of 4 stars). 4 submissions from 4 submitters: Uncertain significance (2); Likely benign (1). 1 of the submissions does not count toward it. Last evaluated 2025-12-22.

Conditions:
Cardiovascular phenotype. Identifiers: MedGen CN230736.
Cardiomyopathy (CMYO). Also called: Cardiomyopathies. Identifiers: Orphanet 167848, MedGen C0878544, MONDO:0004994, HP:0001638. Inheritance: Various modes of inheritance.
Becker muscular dystrophy (BMD). Also called: MUSCULAR DYSTROPHY, PSEUDOHYPERTROPHIC PROGRESSIVE, BECKER TYPE; Becker Muscular Dystrophy (BMD). Identifiers: Orphanet 98895, MedGen C0917713, MONDO:0010311, OMIM 300376.
Duchenne muscular dystrophy (DMD). Also called: Duchenne Muscular Dystrophy (DMD); MUSCULAR DYSTROPHY, PSEUDOHYPERTROPHIC PROGRESSIVE, DUCHENNE TYPE. Identifiers: Orphanet 98896, MedGen C0013264, MONDO:0010679, OMIM 310200.
Dystrophin deficiency.
Dilated cardiomyopathy 3B (CMD3B). Also called: CMD3B: DMD-Related Dilated Cardiomyopathy; CARDIOMYOPATHY, DILATED, X-LINKED; DMD-Associated Dilated Cardiomyopathy. Identifiers: Orphanet 154, MedGen C3668940, MONDO:0010542, OMIM 302045.

Allele frequency attached by ClinVar (database versions not stated): TOPMed 0.00003; gnomAD 0.00005.
gnomAD v4.1: 5 of 1,209,982 alleles (0.00041%); highest among the groups gnomAD compares: Admixed American, 0.011%; no homozygotes.

Submissions (4):

Labcorp Genetics (formerly Invitae), Labcorp
Classification: Likely benign for Duchenne muscular dystrophy. Last evaluated: 2025-12-22. Review status: criteria provided, single submitter. Criteria: Invitae Variant Classification Sherloc (09022015). Collection method: clinical testing. Allele origin: germline.

Ambry Genetics
Classification: Uncertain significance for Cardiovascular phenotype. Last evaluated: 2024-11-15. Review status: criteria provided, single submitter. Criteria: Ambry Variant Classification Scheme 2023. Collection method: clinical testing. Allele origin: germline.
Comment: The p.R2571L variant (also known as c.7712G>T), located in coding exon 53 of the DMD gene, results from a G to T substitution at nucleotide position 7712. The arginine at codon 2571 is replaced by leucine, an amino acid with dissimilar properties. Based on data from gnomAD, the T allele has an overall frequency of 0.0029% (6/204894) total alleles studied, with 2 hemizygote(s) observed. The highest observed frequency was 0.0214% (6/28040) of Latino alleles. This amino acid position is highly conserved in available vertebrate species. In addition, this alteration is predicted to be deleterious by in silico analysis. Based on the available evidence, the clinical significance of this variant remains unclear.

Fulgent Genetics
Classification: Uncertain significance for Becker muscular dystrophy; Dilated cardiomyopathy 3B; Duchenne muscular dystrophy. Last evaluated: 2021-12-05. Review status: criteria provided, single submitter. Criteria: ACMG Guidelines, 2015. Collection method: clinical testing. Allele origin: unknown.

Natera, Inc.
Classification: Uncertain significance for Becker muscular dystrophy; Cardiomyopathy; Duchenne muscular dystrophy; Dystrophin deficiency. Last evaluated: 2019-03-27. Review status: no assertion criteria provided. Collection method: clinical testing. Allele origin: germline. Not counted in ClinVar's aggregate classification.

NM_004006.3(DMD):c.7712G>T (p.Arg2571Leu)

Gene: DMD (dystrophin; minus strand). Cytogenetic location: Xp21.1.
Variant type: single nucleotide variant.
Coding change: c.7712G>T on transcript NM_004006.3 (MANE Select); coding-DNA position 7712, G replaced by T.
Protein change: p.Arg2571Leu; replaces arginine 2571 with leucine.
Molecular consequence: missense variant.
Genome position (GRCh38, 1-based): chrX:31,679,535, C>A on the plus strand (G>T on the coding strand, the complement: DMD is on the minus strand). VCF-style: chrX-31679535-C-A. GRCh37 (hg19) VCF-style: chrX-31697652-C-A.
Other names: c.7688G>T, p.Arg2563Leu (NM_000109.4); c.7700G>T, p.Arg2567Leu (NM_004009.3); c.7343G>T, p.Arg2448Leu (NM_004010.3); c.3689G>T, p.Arg1230Leu (NM_004011.4); c.3680G>T, p.Arg1227Leu (NM_004012.4); c.332G>T, p.Arg111Leu (NM_004013.3, NM_004020.4, NM_004021.3 and 2 more transcripts); short protein forms R2571L, R1227L, R2567L, R1230L, R2563L, R111L, R2448L.
Identifiers: ClinVar variation 264181 (VCV000264181.14), dbSNP rs371588290, ClinGen allele CA10378222.
Genomic context (GRCh38, chrX:31,679,535, plus strand): 5'-TCTTCCTTAGCTTCCAGCCATTGTGTTGAATCCTTTAACATTTCATTCAACTGTTGCCTC[C>A]GGTTCTGAAGGTGTTCTTGTACTTCATCCCACTGATTCTGAATTCTTTCAACTAGAATAA-3'
Protein context (NP_003997.2, residues 2561-2581): WDEVQEHLQN[Arg2571Leu]RQQLNEMLKD